The following is an entry in ClinVar:

ClinVar aggregate classification (germline): Uncertain significance (1 of 4 stars; one submission).

Conditions:
Inborn genetic diseases. Identifiers: MedGen C0950123, MeSH D030342.

Submission:

Ambry Genetics
Classification: Uncertain significance for Inborn genetic diseases. Last evaluated: 2025-08-12. Review status: criteria provided, single submitter. Criteria: Ambry Variant Classification Scheme 2023. Collection method: clinical testing. Allele origin: germline.
Comment: The p.L12V variant (also known as c.34C>G), located in coding exon 1 of the SBDS gene, results from a C to G substitution at nucleotide position 34. The leucine at codon 12 is replaced by valine, an amino acid with highly similar properties. This amino acid position is conserved. In addition, this alteration is predicted to be deleterious by in silico analysis. Based on the available evidence, the clinical significance of this variant remains unclear.

NM_016038.4(SBDS):c.34C>G (p.Leu12Val)

Gene: SBDS (SBDS ribosome maturation factor; minus strand). Cytogenetic location: 7q11.21.
Variant type: single nucleotide variant.
Coding change: c.34C>G on transcript NM_016038.4 (MANE Select); coding-DNA position 34, C replaced by G.
Protein change: p.Leu12Val; replaces leucine 12 with valine.
Molecular consequence: missense variant.
Genome position (GRCh38, 1-based): chr7:66,995,384, G>C on the plus strand (C>G on the coding strand, the complement: SBDS is on the minus strand). VCF-style: chr7-66995384-G-C. GRCh37 (hg19) VCF-style: chr7-66460371-G-C.
Other names: short protein forms L12V.
Identifiers: ClinVar variation 4159821 (VCV004159821.1).